The following is an entry in ClinVar:

NM_016492.5(RANGRF):c.181G>T (p.Glu61Ter)

Genes: RANGRF (RAN guanine nucleotide release factor; plus strand), SLC25A35 (solute carrier family 25 member 35; minus strand). Cytogenetic location: 17p13.1.
Variant type: single nucleotide variant.
Coding change: c.181G>T on transcript NM_016492.5 (MANE Select); coding-DNA position 181, G replaced by T.
Protein change: p.Glu61Ter; replaces glutamic acid 61 with a stop codon.
Molecular consequence: nonsense. On other transcripts: intron variant (1), 3 prime UTR variant (2), non-coding transcript variant (2).
Genome position (GRCh38, 1-based): chr17:8,289,059, G>T. VCF-style: chr17-8289059-G-T. GRCh37 (hg19) VCF-style: chr17-8192377-G-T.
Other names: p.E61*:GAA>TAA; c.*42+515C>A (NM_001320871.2); c.181G>T, p.Glu61Ter (NM_001177801.2, NM_001177802.2, NM_001330127.2); c.*424C>A (NM_001320872.2); c.*557C>A (NM_201520.3); short protein forms E61*.
Identifiers: ClinVar variation 190845 (VCV000190845.35), dbSNP rs140704891, ClinGen allele CA302125.

ClinVar aggregate classification (germline): Benign/Likely benign. Review status: criteria provided, multiple submitters, no conflicts (2 of 4 stars). 8 submissions from 8 submitters: Benign (3); Likely benign (2). 3 of the submissions do not count toward it. Last evaluated 2026-02-01.

Conditions:
Cardiac arrhythmia. Also called: Arrhythmia; Cardiac rhythm disease. Identifiers: MedGen C0003811, MONDO:0007263, HP:0011675.
RANGRF-related disorder. Also called: RANGRF-related condition.

Allele frequency attached by ClinVar (database versions not stated): 1000 Genomes Project 30x 0.00094; ExAC 0.00402; ESP Exome Variant Server 0.00423; 1000 Genomes Project 0.00120; TOPMed 0.00331.
gnomAD v4.1: 7,244 of 1,613,690 alleles (0.45%); highest among the groups gnomAD compares: Non-Finnish European, 0.51%; 29 homozygotes.

Submissions (8):

Labcorp Genetics (formerly Invitae), Labcorp
Classification: Benign for Cardiac arrhythmia. Last evaluated: 2026-02-01. Review status: criteria provided, single submitter. Criteria: Invitae Variant Classification Sherloc (09022015). Collection method: clinical testing. Allele origin: germline.

CeGaT Center for Human Genetics Tuebingen
Classification: Likely benign. Last evaluated: 2025-01-01. Review status: criteria provided, single submitter. Criteria: CeGaT Center For Human Genetics Tuebingen Variant Classification Criteria Version 2. Collection method: clinical testing. Allele origin: germline. Affected: yes. Observed: 1 variant allele.
Comment: RANGRF: BS2; SLC25A35: BS2

Women's Health and Genetics/Laboratory Corporation of America, LabCorp
Classification: Benign. Last evaluated: 2024-09-16. Review status: criteria provided, single submitter. Criteria: LabCorp Variant Classification Summary - May 2015. Collection method: clinical testing. Allele origin: germline.
Comment: Variant summary: RANGRF c.181G>T (p.Glu61X) results in a premature termination codon, predicted to cause a truncation of the encoded protein or absence of the protein due to nonsense mediated decay, however current evidence is not sufficient to establish loss of function as a mechanism for disease. The variant allele was found at a frequency of 0.0045 in 1606716 control chromosomes in the gnomAD database (v4.1 dataset). , including 29 homozygotes. The observed variant frequency is approximately 700-fold of the estimated maximal expected allele frequency for a pathogenic variant in RANGRF causing Arrhythmia phenotype (6.3e-06). Although the variant was proposed to be related to various phenotypes in the literature, a recent study performing exhaustive genetic interpretation of reported variants in minor genes (potentially) associated with Brugada syndrome, classified the variant as benign (Campuzano_2019). The following publication have been ascertained in the context of this evaluation (PMID: 30821013). ClinVar contains an entry for this variant (Variation ID: 190845). Based on the evidence outlined above, the variant was classified as benign.

GeneDx
Classification: Benign. Last evaluated: 2017-05-10. Review status: criteria provided, single submitter. Criteria: GeneDx Variant Classification (06012015). Collection method: clinical testing. Allele origin: germline. Affected: yes.
Comment: This variant is considered likely benign or benign based on one or more of the following criteria: it is a conservative change, it occurs at a poorly conserved position in the protein, it is predicted to be benign by multiple in silico algorithms, and/or has population frequency not consistent with disease.

Molecular Diagnostic Laboratory for Inherited Cardiovascular Disease, Montreal Heart Institute
Classification: Likely benign. Review status: criteria provided, single submitter. Criteria: ACMG Guidelines, 2015. Collection method: clinical testing. Allele origin: germline. Affected: yes.

PreventionGenetics, part of Exact Sciences
Classification: Likely benign for RANGRF-related condition. Last evaluated: 2020-11-20. Review status: no assertion criteria provided. Collection method: clinical testing. Allele origin: germline. Not counted in ClinVar's aggregate classification.
Comment: This variant is classified as likely benign based on ACMG/AMP sequence variant interpretation guidelines (Richards et al. 2015 PMID: 25741868, with internal and published modifications).

Clinical Genetics, Academic Medical Center
Classification: Benign. Review status: no assertion criteria provided. Collection method: clinical testing. Allele origin: germline. Affected: yes. Study: VKGL Data-share Consensus. Not counted in ClinVar's aggregate classification.

Diagnostic Laboratory, Department of Genetics, University Medical Center Groningen
Classification: Benign. Review status: no assertion criteria provided. Collection method: clinical testing. Allele origin: germline. Affected: yes. Study: VKGL Data-share Consensus. Not counted in ClinVar's aggregate classification.

Literature cited by the submitters: PubMed 30821013 (cited by Women's Health and Genetics/Laboratory Corporation of America, LabCorp).